The following is an entry in ClinVar:

ClinVar aggregate classification (germline): Likely benign. Review status: criteria provided, multiple submitters, no conflicts (2 of 4 stars). 3 submissions from 3 submitters: Likely benign (3). Last evaluated 2025-06-08.

Conditions:
Charcot-Marie-Tooth Neuropathy X. Identifiers: MedGen CN118851.
Combined oxidative phosphorylation deficiency. Identifiers: MedGen C4540031, MONDO:0000732.

Allele frequency attached by ClinVar (database versions not stated): ExAC 0.00003; gnomAD exomes 0.00003 and 0.00007; TOPMed 0.00003; gnomAD 0.00005; 1000 Genomes Project 30x 0.00021; 1000 Genomes Project 0.00026.
gnomAD v4.1: 85 of 1,172,273 alleles (0.0073%); highest among the groups gnomAD compares: Non-Finnish European, 0.0084%; no homozygotes.

Submissions (3):

Labcorp Genetics (formerly Invitae), Labcorp
Classification: Likely benign for Charcot-Marie-Tooth Neuropathy X; Combined oxidative phosphorylation deficiency. Last evaluated: 2025-06-08. Review status: criteria provided, single submitter. Criteria: Invitae Variant Classification Sherloc (09022015). Collection method: clinical testing. Allele origin: germline.

Blueprint Genetics
Classification: Likely benign. Last evaluated: 2024-04-11. Review status: criteria provided, single submitter. Criteria: ACMG Guidelines, 2015. Collection method: clinical testing. Allele origin: germline.

GeneDx
Classification: Likely benign. Last evaluated: 2016-10-18. Review status: criteria provided, single submitter. Criteria: GeneDx Variant Classification (06012015). Collection method: clinical testing. Allele origin: germline. Affected: yes.
Comment: This variant is considered likely benign or benign based on one or more of the following criteria: it is a conservative change, it occurs at a poorly conserved position in the protein, it is predicted to be benign by multiple in silico algorithms, and/or has population frequency not consistent with disease.

NM_004208.4(AIFM1):c.696+16G>A

Genes: AIFM1 (apoptosis inducing factor mitochondria associated 1; minus strand), RAB33A (RAB33A, member RAS oncogene family; plus strand). Cytogenetic location: Xq26.1.
Variant type: single nucleotide variant.
Coding change: c.696+16G>A on transcript NM_004208.4 (MANE Select); 16 bases into the intron after coding-DNA position 696, G replaced by A.
Molecular consequence: intron variant.
Genome position (GRCh38, 1-based): chrX:130,145,463, C>T on the plus strand (G>A on the coding strand, the complement: AIFM1 is on the minus strand). VCF-style: chrX-130145463-C-T. GRCh37 (hg19) VCF-style: chrX-129279438-C-T.
Other names: c.684+16G>A (NM_145812.3); c.696+16G>A (NM_001130847.4).
Identifiers: ClinVar variation 379106 (VCV000379106.10), dbSNP rs748492632, ClinGen allele CA10515418.
Genomic context (GRCh38, chrX:130,145,463, plus strand): 5'-ATGGAAACACACATCACCATACTGGCTGGTGGGCAAGTACGTAGAGCCTGACAAAAGAAG[C>T]GGTCTACTAGCTCACCTTCTTCCCAGTGAGGACAGCCACACCACCATTCTCAATATGAGG-3'